The following is an entry in ClinVar:

NM_003982.4(SLC7A7):c.1103T>C (p.Met368Thr)

Gene: SLC7A7 (solute carrier family 7 member 7; minus strand). Cytogenetic location: 14q11.2.
Variant type: single nucleotide variant.
Coding change: c.1103T>C on transcript NM_003982.4 (MANE Select); coding-DNA position 1103, T replaced by C.
Protein change: p.Met368Thr; replaces methionine 368 with threonine.
Molecular consequence: missense variant.
Genome position (GRCh38, 1-based): chr14:22,774,496, A>G on the plus strand (T>C on the coding strand, the complement: SLC7A7 is on the minus strand). VCF-style: chr14-22774496-A-G. GRCh37 (hg19) VCF-style: chr14-23243705-A-G.
Other names: p.Met368Thr; c.1103T>C, p.Met368Thr (NM_001126105.3, NM_001126106.4); short protein forms M368T.
Identifiers: ClinVar variation 2048952 (VCV002048952.3), dbSNP rs763239348, ClinGen allele CA7104477.
Genomic context (GRCh38, chr14:22,774,496, plus strand): 5'-CTGAAGCTGTAGTAGTTAATGAGCTGGAAGATGTCTTCCACGCACAAGTAGATCAATGCC[A>G]TGATACCCTGTAAGCGTGAGCCTAAGTCAGCTCTTCTCAGGGCCTTTGTTAATCCAAAGG-3'
Protein context (NP_003973.3, residues 358-378): PVPSLLFNGI[Met368Thr]ALIYLCVEDI

ClinVar aggregate classification (germline): Uncertain significance. Review status: criteria provided, multiple submitters, no conflicts (2 of 4 stars). 3 submissions from 3 submitters: Uncertain significance (3). Last evaluated 2025-02-12.

Conditions:
Inborn genetic diseases. Identifiers: MedGen C0950123, MeSH D030342.
Lysinuric protein intolerance (LPI). Identifiers: Orphanet 470, MedGen C0268647, MONDO:0009109, OMIM 222700.

Allele frequency attached by ClinVar (database versions not stated): ExAC 0.00012.
gnomAD v4.1: 78 of 1,614,184 alleles (0.0048%); highest among the groups gnomAD compares: South Asian, 0.077%; 2 homozygotes.

Submissions (3):

Ambry Genetics
Classification: Uncertain significance for Inborn genetic diseases. Last evaluated: 2025-02-12. Review status: criteria provided, single submitter. Criteria: Ambry Variant Classification Scheme 2023. Collection method: clinical testing. Allele origin: germline.

Mayo Clinic Laboratories, Mayo Clinic
Classification: Uncertain significance. Last evaluated: 2024-10-21. Review status: criteria provided, single submitter. Criteria: ACMG Guidelines, 2015. Collection method: clinical testing. Allele origin: germline. Observed: 1 variant allele.

Labcorp Genetics (formerly Invitae), Labcorp
Classification: Uncertain significance for Lysinuric protein intolerance. Last evaluated: 2022-08-22. Review status: criteria provided, single submitter. Criteria: Invitae Variant Classification Sherloc (09022015). Collection method: clinical testing. Allele origin: germline.
Comment: This sequence change replaces methionine, which is neutral and non-polar, with threonine, which is neutral and polar, at codon 368 of the SLC7A7 protein (p.Met368Thr). This variant is present in population databases (rs763239348, gnomAD 0.06%). This variant has not been reported in the literature in individuals affected with SLC7A7-related conditions. Algorithms developed to predict the effect of missense changes on protein structure and function are either unavailable or do not agree on the potential impact of this missense change (SIFT: "Tolerated"; PolyPhen-2: "Possibly Damaging"; Align-GVGD: "Class C0"). In summary, the available evidence is currently insufficient to determine the role of this variant in disease. Therefore, it has been classified as a Variant of Uncertain Significance.